The following is an entry in ClinVar:

ClinVar aggregate classification (germline): Uncertain significance (1 of 4 stars; one submission).

Allele frequency attached by ClinVar (database versions not stated): gnomAD exomes 0.00001; TOPMed 0.00001; ExAC 0.00002; ESP Exome Variant Server 0.00008.
gnomAD v4.1: 9 of 1,614,034 alleles (0.00056%); highest among the groups gnomAD compares: Middle Eastern, 0.016%; no homozygotes.

Submission:

Laboratory for Molecular Medicine, Mass General Brigham Personalized Medicine
Classification: Uncertain significance. Last evaluated: 2016-05-02. Review status: criteria provided, single submitter. Criteria: LMM Criteria. Collection method: clinical testing. Allele origin: germline. Observed: 1 variant allele.
Comment: The p.Arg3294Trp variant in MYO15A has not been previously reported in individua ls with hearing loss, but has been identified in 1/66618 European and in 1/9756 African chromosomes by the Exome Aggregation Consortium (ExAC; dbSNP rs377125285). Computational prediction tools and conservati on analyses suggest that this variant may impact the protein, though this inform ation is not predictive enough to determine pathogenicity. In summary, the clini cal significance of the p.Arg3294Trp variant is uncertain.

NM_016239.4(MYO15A):c.9880C>T (p.Arg3294Trp)

Gene: MYO15A (myosin XVA; plus strand). Cytogenetic location: 17p11.2.
Variant type: single nucleotide variant.
Coding change: c.9880C>T on transcript NM_016239.4 (MANE Select); coding-DNA position 9880, C replaced by T.
Protein change: p.Arg3294Trp; replaces arginine 3294 with tryptophan.
Molecular consequence: missense variant.
Genome position (GRCh38, 1-based): chr17:18,166,453, C>T. VCF-style: chr17-18166453-C-T. GRCh37 (hg19) VCF-style: chr17-18069767-C-T.
Other names: short protein forms R3294W.
Identifiers: ClinVar variation 504636 (VCV000504636.4), dbSNP rs377125285, ClinGen allele CA8425718.
Genomic context (GRCh38, chr17:18,166,453, plus strand): 5'-TACATCCTGGATGTGGCCTCAGAGATGGAGCAGGTGGACGGCGGCTACATGCTCTGGTTC[C>T]GGCGTGTGCTCTGGGATCAGCCACTCAAGTTCGAGAATGAGCTATATGTGACCATGCACT-3'
Protein context (NP_057323.3, residues 3284-3304): QVDGGYMLWF[Arg3294Trp]RVLWDQPLKF